The following is an entry in ClinVar:

NM_001283009.2(RTEL1):c.3545C>T (p.Ser1182Leu)

Genes: RTEL1 (regulator of telomere elongation helicase 1; plus strand), RTEL1-TNFRSF6B (RTEL1-TNFRSF6B readthrough (NMD candidate); plus strand). Cytogenetic location: 20q13.33.
Variant type: single nucleotide variant.
Coding change: c.3545C>T on transcript NM_001283009.2 (MANE Select); coding-DNA position 3545, C replaced by T.
Protein change: p.Ser1182Leu; replaces serine 1182 with leucine.
Molecular consequence: missense variant. On other transcripts: non-coding transcript variant (1).
Genome position (GRCh38, 1-based): chr20:63,695,373, C>T. VCF-style: chr20-63695373-C-T. GRCh37 (hg19) VCF-style: chr20-62326726-C-T.
Other names: c.2876C>T, p.Ser959Leu (NM_001283010.1); c.3545C>T, p.Ser1182Leu (NM_016434.4); c.3617C>T, p.Ser1206Leu (NM_032957.5); c.3617C>T (NM_032957.4); short protein forms S1182L, S959L, S1206L.
Identifiers: ClinVar variation 2147080 (VCV002147080.5), dbSNP rs770535334, ClinGen allele CA9966116.

ClinVar aggregate classification (germline): Uncertain significance. Review status: criteria provided, multiple submitters, no conflicts (2 of 4 stars). 2 submissions from 2 submitters: Uncertain significance (2). Last evaluated 2025-12-08.

Conditions:
Inborn genetic diseases. Identifiers: MedGen C0950123, MeSH D030342.
Pulmonary fibrosis and/or bone marrow failure, Telomere-related, 3. Also called: PULMONARY FIBROSIS AND/OR BONE MARROW FAILURE SYNDROME, TELOMERE-RELATED, 3. Identifiers: Orphanet 2032, MedGen C4225346, MONDO:0014613, OMIM 616373.
Dyskeratosis congenita, autosomal recessive 5 (DKCB5). Identifiers: MedGen C3554656, MONDO:0014076, OMIM 615190.

Allele frequency attached by ClinVar (database versions not stated): gnomAD 0.00001; gnomAD exomes below 0.00001; ExAC 0.00001; TOPMed 0.00001.
gnomAD v4.1: 9 of 1,548,584 alleles (0.00058%); highest among the groups gnomAD compares: Admixed American, 0.0057%; no homozygotes.

Submissions (2):

Labcorp Genetics (formerly Invitae), Labcorp
Classification: Uncertain significance for Dyskeratosis congenita, autosomal recessive 5; Pulmonary fibrosis and/or bone marrow failure, Telomere-related, 3. Last evaluated: 2025-12-08. Review status: criteria provided, single submitter. Criteria: Invitae Variant Classification Sherloc (09022015). Collection method: clinical testing. Allele origin: germline.
Comment: This sequence change replaces serine, which is neutral and polar, with leucine, which is neutral and non-polar, at codon 1182 of the RTEL1 protein (p.Ser1182Leu). This variant is present in population databases (rs770535334, gnomAD 0.01%). This variant has not been reported in the literature in individuals affected with RTEL1-related conditions. ClinVar contains an entry for this variant (Variation ID: 2147080). An algorithm developed to predict the effect of missense changes on protein structure and function (PolyPhen-2) suggests that this variant is likely to be tolerated. In summary, the available evidence is currently insufficient to determine the role of this variant in disease. Therefore, it has been classified as a Variant of Uncertain Significance.

Ambry Genetics
Classification: Uncertain significance for Inborn genetic diseases. Last evaluated: 2023-07-12. Review status: criteria provided, single submitter. Criteria: Ambry Variant Classification Scheme 2023. Collection method: clinical testing. Allele origin: germline.